The following is an entry in ClinVar:

ClinVar aggregate classification (germline): Pathogenic. Review status: criteria provided, multiple submitters, no conflicts (2 of 4 stars). 3 submissions from 3 submitters: Pathogenic (2). 1 of the submissions does not count toward it. Last evaluated 2021-09-30.

Conditions:
Hearing loss, autosomal recessive. Also called: Deafness, autosomal recessive; Autosomal recessive nonsyndromic deafness; Rare autosomal recessive non-syndromic sensorineural deafness type DFNB; Nonsyndromic Hearing Loss, Recessive. Identifiers: Orphanet 90635, Orphanet 90636, MedGen C1846647, MONDO:0019588, OMIM 607197.

gnomAD v4.1: 4 of 1,467,052 alleles (0.00027%); highest among the groups gnomAD compares: South Asian, 0.0038%; no homozygotes.

Submissions (3):

GeneDx
Classification: Pathogenic. Last evaluated: 2021-09-30. Review status: criteria provided, single submitter. Criteria: GeneDx Variant Classification Process June 2021. Collection method: clinical testing. Allele origin: germline. Affected: yes.
Comment: Nonsense variant predicted to result in protein truncation or nonsense mediated decay in a gene for which loss-of-function is a known mechanism of disease; Not observed at a significant frequency in large population cohorts (Lek et al., 2016); This variant is associated with the following publications: (PMID: 27573290, 30303587, 34093702)

Labcorp Genetics (formerly Invitae), Labcorp
Classification: Pathogenic. Last evaluated: 2021-08-31. Review status: criteria provided, single submitter. Criteria: Invitae Variant Classification Sherloc (09022015). Collection method: clinical testing. Allele origin: germline.
Comment: For these reasons, this variant has been classified as Pathogenic. Algorithms developed to predict the effect of sequence changes on RNA splicing suggest that this variant may create or strengthen a splice site. ClinVar contains an entry for this variant (Variation ID: 996594). This premature translational stop signal has been observed in individuals with deafness (PMID: 27573290; Invitae). The frequency data for this variant in the population databases is considered unreliable, as metrics indicate insufficient coverage at this position in the ExAC database. This sequence change creates a premature translational stop signal (p.Ser819*) in the MYO15A gene. It is expected to result in an absent or disrupted protein product. Loss-of-function variants in MYO15A are known to be pathogenic (PMID: 17546645).

University of Washington Center for Mendelian Genomics, University of Washington
Classification: Likely pathogenic for non-syndromic autosomal recessive hearing loss. Review status: no assertion criteria provided. Collection method: research. Allele origin: inherited. Affected: yes. Not counted in ClinVar's aggregate classification.

Literature cited by the submitters: PubMed 27573290 (cited by Labcorp Genetics (formerly Invitae), Labcorp); PubMed 17546645 (cited by Labcorp Genetics (formerly Invitae), Labcorp); PubMed 30303587 (cited by University of Washington Center for Mendelian Genomics, University of Washington).

NM_016239.4(MYO15A):c.2456C>A (p.Ser819Ter)

Gene: MYO15A (myosin XVA; plus strand). Cytogenetic location: 17p11.2.
Variant type: single nucleotide variant.
Coding change: c.2456C>A on transcript NM_016239.4 (MANE Select); coding-DNA position 2456, C replaced by A.
Protein change: p.Ser819Ter; replaces serine 819 with a stop codon.
Molecular consequence: nonsense.
Genome position (GRCh38, 1-based): chr17:18,121,256, C>A. VCF-style: chr17-18121256-C-A. GRCh37 (hg19) VCF-style: chr17-18024570-C-A.
Other names: short protein forms S819*.
Identifiers: ClinVar variation 996594 (VCV000996594.8), dbSNP rs767378045, ClinGen allele CA398584276.